The following is an entry in ClinVar:

NM_016824.5(ADD3):c.1216A>G (p.Ile406Val)

Gene: ADD3 (adducin 3; plus strand). Cytogenetic location: 10q25.2.
Variant type: single nucleotide variant.
Coding change: c.1216A>G on transcript NM_016824.5 (MANE Select); coding-DNA position 1216, A replaced by G.
Protein change: p.Ile406Val; replaces isoleucine 406 with valine.
Molecular consequence: missense variant.
Genome position (GRCh38, 1-based): chr10:110,124,089, A>G. VCF-style: chr10-110124089-A-G. GRCh37 (hg19) VCF-style: chr10-111883847-A-G.
Other names: c.1216A>G, p.Ile406Val (NM_001121.4, NM_001320591.2, NM_001320592.2 and 2 more transcripts); c.982A>G, p.Ile328Val (NM_001320594.2); c.1216A>G (NM_016824.3); short protein forms I406V, I328V.
Identifiers: ClinVar variation 1398231 (VCV001398231.6), dbSNP rs144738008, ClinGen allele CA5686571.

ClinVar aggregate classification (germline): Uncertain significance. Review status: criteria provided, multiple submitters, no conflicts (2 of 4 stars). 2 submissions from 2 submitters: Uncertain significance (2). Last evaluated 2024-10-16.

Allele frequency attached by ClinVar (database versions not stated): gnomAD exomes 0.00001; ExAC 0.00002; gnomAD 0.00005 and 0.00006; TOPMed 0.00009; 1000 Genomes Project 30x 0.00016; 1000 Genomes Project 0.00020.
gnomAD v4.1: 21 of 1,614,154 alleles (0.0013%); highest among the groups gnomAD compares: African/African-American, 0.02%; no homozygotes.

Submissions (2):

Labcorp Genetics (formerly Invitae), Labcorp
Classification: Uncertain significance. Last evaluated: 2024-10-16. Review status: criteria provided, single submitter. Criteria: Invitae Variant Classification Sherloc (09022015). Collection method: clinical testing. Allele origin: germline.
Comment: This sequence change replaces isoleucine with valine at codon 406 of the ADD3 protein (p.Ile406Val). The isoleucine residue is highly conserved and there is a small physicochemical difference between isoleucine and valine. This variant is present in population databases (rs144738008, gnomAD 0.02%). This variant has not been reported in the literature in individuals affected with ADD3-related conditions. ClinVar contains an entry for this variant (Variation ID: 1398231). Invitae Evidence Modeling of protein sequence and biophysical properties (such as structural, functional, and spatial information, amino acid conservation, physicochemical variation, residue mobility, and thermodynamic stability) indicates that this missense variant is not expected to disrupt ADD3 protein function with a negative predictive value of 80%. In summary, the available evidence is currently insufficient to determine the role of this variant in disease. Therefore, it has been classified as a Variant of Uncertain Significance.

Ambry Genetics
Classification: Uncertain significance. Last evaluated: 2024-05-13. Review status: criteria provided, single submitter. Criteria: Ambry Variant Classification Scheme 2023. Collection method: clinical testing. Allele origin: germline.